The following is an entry in ClinVar:

NM_032119.4(ADGRV1):c.12914T>C (p.Met4305Thr)

Gene: ADGRV1 (adhesion G protein-coupled receptor V1; plus strand). Cytogenetic location: 5q14.3.
Variant type: single nucleotide variant.
Coding change: c.12914T>C on transcript NM_032119.4 (MANE Select); coding-DNA position 12914, T replaced by C.
Protein change: p.Met4305Thr; replaces methionine 4305 with threonine.
Molecular consequence: missense variant. On other transcripts: non-coding transcript variant (1).
Genome position (GRCh38, 1-based): chr5:90,778,929, T>C. VCF-style: chr5-90778929-T-C. GRCh37 (hg19) VCF-style: chr5-90074746-T-C.
Other names: c.12914T>C (NM_032119.3); short protein forms M4305T.
Identifiers: ClinVar variation 1945334 (VCV001945334.6), dbSNP rs149133690, ClinGen allele CA3341378.

ClinVar aggregate classification (germline): Conflicting classifications of pathogenicity. Review status: criteria provided, conflicting classifications (1 of 4 stars). 2 submissions from 2 submitters: Uncertain significance (1); Likely benign (1). Last evaluated 2025-12-29.

Allele frequency attached by ClinVar (database versions not stated): TOPMed below 0.00001; ExAC 0.00001; gnomAD 0.00001; 1000 Genomes Project 30x 0.00016; 1000 Genomes Project 0.00020.
gnomAD v4.1: 13 of 1,613,472 alleles (0.00081%); highest among the groups gnomAD compares: Admixed American, 0.0017%; no homozygotes.

Submissions (2):

Labcorp Genetics (formerly Invitae), Labcorp
Classification: Likely benign. Last evaluated: 2025-12-29. Review status: criteria provided, single submitter. Criteria: Invitae Variant Classification Sherloc (09022015). Collection method: clinical testing. Allele origin: germline.

GeneDx
Classification: Uncertain significance. Last evaluated: 2024-10-24. Review status: criteria provided, single submitter. Criteria: GeneDx Variant Classification Process June 2021. Collection method: clinical testing. Allele origin: germline. Affected: yes.
Comment: Not observed at significant frequency in large population cohorts (gnomAD); In silico analysis indicates that this missense variant does not alter protein structure/function; Has not been previously published as pathogenic or benign to our knowledge